The following is an entry in ClinVar:

ClinVar aggregate classification (germline): Uncertain significance. Review status: criteria provided, multiple submitters, no conflicts (2 of 4 stars). 3 submissions from 3 submitters: Uncertain significance (3). Last evaluated 2026-01-06.

Conditions:
Hereditary cancer-predisposing syndrome. Also called: Tumor predisposition; Hereditary neoplastic syndrome; Neoplastic Syndromes, Hereditary; Hereditary Cancer Syndrome. Identifiers: Orphanet 140162, MedGen C0027672, MeSH D009386, MONDO:0015356.
Pheochromocytoma. Also called: MAX-Related Hereditary Paraganglioma-Pheochromocytoma Syndrome. Identifiers: Orphanet 29072, MedGen C0031511, MONDO:0008233, OMIM 171300, HP:0002666.
Pheochromocytoma/paraganglioma syndrome 4. Also called: SDHB-Related Hereditary Paraganglioma-Pheochromocytoma Syndrome (Paragangliomas 4); CAROTID BODY TUMORS AND MULTIPLE EXTRAADRENAL PHEOCHROMOCYTOMAS; PARAGANGLIOMA, FAMILIAL MALIGNANT; PARAGANGLIOMAS, HEREDITARY EXTRAADRENAL; SDHB-Related Hereditary Paraganglioma-Pheochromocytoma Syndrome; PHEOCHROMOCYTOMA, FAMILIAL EXTRAADRENAL. Identifiers: Orphanet 29072, MedGen C1861848, MONDO:0007273, OMIM 115310.
Gastrointestinal stromal tumor. Also called: Gastrointestinal stroma tumor; Gastrointestinal stromal tumor, somatic. Identifiers: Orphanet 44890, MedGen C0238198, MeSH D046152, MONDO:0011719, OMIM 606764, HP:0100723.
Hereditary pheochromocytoma and paraganglioma. Also called: Hereditary Paraganglioma-Pheochromocytoma Syndromes; Hereditary paragangliomas and pheochromocytomas; Hereditary pheochromocytoma-paraganglioma. Identifiers: Orphanet 29072, MedGen C4274332, MONDO:0017366.

Submissions (3):

Ambry Genetics
Classification: Uncertain significance for Hereditary cancer-predisposing syndrome. Last evaluated: 2026-01-06. Review status: criteria provided, single submitter. Criteria: Ambry Variant Classification Scheme 2023. Collection method: clinical testing. Allele origin: germline.
Comment: The p.P129A variant (also known as c.385C>G), located in coding exon 4 of the SDHB gene, results from a C to G substitution at nucleotide position 385. The proline at codon 129 is replaced by alanine, an amino acid with highly similar properties. This amino acid position is highly conserved in available vertebrate species. In addition, this alteration is predicted to be deleterious by in silico analysis. Based on the available evidence, the clinical significance of this variant remains unclear.

Color Diagnostics, LLC DBA Color Health
Classification: Uncertain significance for Hereditary pheochromocytoma and paraganglioma. Last evaluated: 2025-08-27. Review status: criteria provided, single submitter. Criteria: ACMG Guidelines, 2015. Collection method: clinical testing. Allele origin: germline.
Comment: This missense variant replaces proline with alanine at codon 129 of the SDHB protein. Computational prediction suggests that this variant may have deleterious impact on protein structure and function. To our knowledge, functional studies have not been reported for this variant. This variant has not been reported in individuals affected with SDHB-related disorders in the literature. This variant has not been identified in the general population by the Genome Aggregation Database (gnomAD). The available evidence is insufficient to determine the role of this variant in disease conclusively. Therefore, this variant is classified as a Variant of Uncertain Significance.

Labcorp Genetics (formerly Invitae), Labcorp
Classification: Uncertain significance for Gastrointestinal stromal tumor; Pheochromocytoma/paraganglioma syndrome 4; Pheochromocytoma. Last evaluated: 2024-03-21. Review status: criteria provided, single submitter. Criteria: Invitae Variant Classification Sherloc (09022015). Collection method: clinical testing. Allele origin: germline.
Comment: This sequence change replaces proline, which is neutral and non-polar, with alanine, which is neutral and non-polar, at codon 129 of the SDHB protein (p.Pro129Ala). This variant is not present in population databases (gnomAD no frequency). This variant has not been reported in the literature in individuals affected with SDHB-related conditions. ClinVar contains an entry for this variant (Variation ID: 459145). Advanced modeling of protein sequence and biophysical properties (such as structural, functional, and spatial information, amino acid conservation, physicochemical variation, residue mobility, and thermodynamic stability) performed at Invitae indicates that this missense variant is expected to disrupt SDHB protein function with a positive predictive value of 80%. In summary, the available evidence is currently insufficient to determine the role of this variant in disease. Therefore, it has been classified as a Variant of Uncertain Significance.

NM_003000.3(SDHB):c.385C>G (p.Pro129Ala)

Gene: SDHB (succinate dehydrogenase complex iron sulfur subunit B; minus strand). Cytogenetic location: 1p36.13.
Variant type: single nucleotide variant.
Coding change: c.385C>G on transcript NM_003000.3 (MANE Select); coding-DNA position 385, C replaced by G.
Protein change: p.Pro129Ala; replaces proline 129 with alanine.
Molecular consequence: missense variant.
Genome position (GRCh38, 1-based): chr1:17,028,638, G>C on the plus strand (C>G on the coding strand, the complement: SDHB is on the minus strand). VCF-style: chr1-17028638-G-C. GRCh37 (hg19) VCF-style: chr1-17355133-G-C.
Other names: short protein forms P129A.
Identifiers: ClinVar variation 459145 (VCV000459145.8), dbSNP rs1553177740, ClinGen allele CA338274293.